The following is an entry in ClinVar:

ClinVar aggregate classification (germline): Uncertain significance. Review status: criteria provided, multiple submitters, no conflicts (2 of 4 stars). 2 submissions from 2 submitters: Uncertain significance (2). Last evaluated 2024-03-27.

Conditions:
KBG syndrome (KBGS). Also called: ANKRD11-Related KBG Syndrome. Identifiers: Orphanet 2332, MedGen C0220687, MONDO:0007846, OMIM 148050.
Inborn genetic diseases. Identifiers: MedGen C0950123, MeSH D030342.

Allele frequency attached by ClinVar (database versions not stated): ExAC 0.00001; gnomAD 0.00001; TOPMed 0.00001.
gnomAD v4.1: 16 of 1,610,010 alleles (0.00099%); highest among the groups gnomAD compares: Non-Finnish European, 0.0013%; no homozygotes.

Submissions (2):

Ambry Genetics
Classification: Uncertain significance for Inborn genetic diseases. Last evaluated: 2024-03-27. Review status: criteria provided, single submitter. Criteria: Ambry Variant Classification Scheme 2023. Collection method: clinical testing. Allele origin: germline.

Labcorp Genetics (formerly Invitae), Labcorp
Classification: Uncertain significance for KBG syndrome. Last evaluated: 2023-09-01. Review status: criteria provided, single submitter. Criteria: Invitae Variant Classification Sherloc (09022015). Collection method: clinical testing. Allele origin: germline.
Comment: Advanced modeling of protein sequence and biophysical properties (such as structural, functional, and spatial information, amino acid conservation, physicochemical variation, residue mobility, and thermodynamic stability) has been performed at Invitae for this missense variant, however the output from this modeling did not meet the statistical confidence thresholds required to predict the impact of this variant on ANKRD11 protein function. This sequence change replaces proline, which is neutral and non-polar, with leucine, which is neutral and non-polar, at codon 1725 of the ANKRD11 protein (p.Pro1725Leu). This variant is present in population databases (rs764002055, gnomAD 0.003%). This variant has not been reported in the literature in individuals affected with ANKRD11-related conditions. ClinVar contains an entry for this variant (Variation ID: 1745816). In summary, the available evidence is currently insufficient to determine the role of this variant in disease. Therefore, it has been classified as a Variant of Uncertain Significance.

NM_013275.6(ANKRD11):c.5174C>T (p.Pro1725Leu)

Gene: ANKRD11 (ankyrin repeat domain 11; minus strand). Cytogenetic location: 16q24.3.
Variant type: single nucleotide variant.
Coding change: c.5174C>T on transcript NM_013275.6 (MANE Select); coding-DNA position 5174, C replaced by T.
Protein change: p.Pro1725Leu; replaces proline 1725 with leucine.
Molecular consequence: missense variant.
Genome position (GRCh38, 1-based): chr16:89,281,368, G>A on the plus strand (C>T on the coding strand, the complement: ANKRD11 is on the minus strand). VCF-style: chr16-89281368-G-A. GRCh37 (hg19) VCF-style: chr16-89347776-G-A.
Other names: c.5174C>T, p.Pro1725Leu (NM_001256182.2, NM_001256183.2); short protein forms P1725L.
Identifiers: ClinVar variation 1745816 (VCV001745816.6), dbSNP rs764002055, ClinGen allele CA8241924.